The following is an entry in ClinVar:

NM_000245.4(MET):c.533G>A (p.Ser178Asn)

Gene: MET (MET proto-oncogene, receptor tyrosine kinase; plus strand). Cytogenetic location: 7q31.2.
Variant type: single nucleotide variant.
Coding change: c.533G>A on transcript NM_000245.4 (MANE Select); coding-DNA position 533, G replaced by A.
Protein change: p.Ser178Asn; replaces serine 178 with asparagine.
Molecular consequence: missense variant. On other transcripts: intron variant (1).
Genome position (GRCh38, 1-based): chr7:116,699,617, G>A. VCF-style: chr7-116699617-G-A. GRCh37 (hg19) VCF-style: chr7-116339671-G-A.
Other names: c.533G>A, p.Ser178Asn (NM_001127500.3, NM_001324401.3); c.-91+27040G>A (NM_001324402.2); short protein forms S178N.
Identifiers: ClinVar variation 1746925 (VCV001746925.2), dbSNP rs1239166904, ClinGen allele CA368969291.

ClinVar aggregate classification (germline): Uncertain significance (1 of 4 stars; one submission).

Conditions:
Hereditary cancer-predisposing syndrome. Also called: Hereditary Cancer Syndrome; Neoplastic Syndromes, Hereditary; Tumor predisposition; Hereditary neoplastic syndrome. Identifiers: Orphanet 140162, MedGen C0027672, MeSH D009386, MONDO:0015356.

Submission:

Ambry Genetics
Classification: Uncertain significance for Hereditary cancer-predisposing syndrome. Last evaluated: 2022-02-05. Review status: criteria provided, single submitter. Criteria: Ambry Variant Classification Scheme 2023. Collection method: clinical testing. Allele origin: germline.
Comment: The p.S178N variant (also known as c.533G>A), located in coding exon 1 of the MET gene, results from a G to A substitution at nucleotide position 533. The serine at codon 178 is replaced by asparagine, an amino acid with highly similar properties. This amino acid position is conserved. In addition, this alteration is predicted to be tolerated by in silico analysis. Since supporting evidence is limited at this time, the clinical significance of this alteration remains unclear.